The following is an entry in ClinVar:

ClinVar aggregate classification (germline): Uncertain significance (1 of 4 stars; one submission).

Conditions:
Inborn genetic diseases. Identifiers: MedGen C0950123, MeSH D030342.

Submission:

Ambry Genetics
Classification: Uncertain significance for Inborn genetic diseases. Last evaluated: 2017-05-16. Review status: criteria provided, single submitter. Criteria: Ambry Variant Classification Scheme 2023. Collection method: clinical testing. Allele origin: germline.
Comment: The p.E75D variant (also known as c.225G>C), located in coding exon 1 of the GRIN2B gene, results from a G to C substitution at nucleotide position 225. The glutamic acid at codon 75 is replaced by aspartic acid, an amino acid with highly similar properties. This amino acid position is highly conserved in available vertebrate species. In addition, this alteration is predicted to be deleterious by in silico analysis. Since supporting evidence is limited at this time, the clinical significance of this alteration remains unclear.

NM_000834.5(GRIN2B):c.225G>C (p.Glu75Asp)

Gene: GRIN2B (glutamate ionotropic receptor NMDA type subunit 2B; minus strand). Cytogenetic location: 12p13.1.
Variant type: single nucleotide variant.
Coding change: c.225G>C on transcript NM_000834.5 (MANE Select); coding-DNA position 225, G replaced by C.
Protein change: p.Glu75Asp; replaces glutamic acid 75 with aspartic acid.
Molecular consequence: missense variant.
Genome position (GRCh38, 1-based): chr12:13,865,984, C>G on the plus strand (G>C on the coding strand, the complement: GRIN2B is on the minus strand). VCF-style: chr12-13865984-C-G. GRCh37 (hg19) VCF-style: chr12-14018918-C-G.
Other names: c.225G>C, p.Glu75Asp (NM_001413992.1, NM_001413993.1, NM_001413994.1 and 1 more transcripts); short protein forms E75D.
Identifiers: ClinVar variation 1788598 (VCV001788598.2), dbSNP rs2497983575, ClinGen allele CA384054394.